The following is an entry in ClinVar:

ClinVar aggregate classification (germline): Uncertain significance. Review status: criteria provided, single submitter (1 of 4 stars). 2 submissions from 2 submitters: Uncertain significance (1). 1 of the submissions does not count toward it. Last evaluated 2025-07-27.

Conditions:
Noonan syndrome 8 (NS8). Identifiers: Orphanet 648, MedGen C3809233, MONDO:0014143, OMIM 615355.
Noonan syndrome (NS). Also called: Noonan's syndrome. Identifiers: Orphanet 648, MedGen C0028326, MeSH D009634, MONDO:0018997. Disease mechanism: gain of function.

Submissions (2):

Labcorp Genetics (formerly Invitae), Labcorp
Classification: Uncertain significance for Noonan syndrome 8. Last evaluated: 2025-07-27. Review status: criteria provided, single submitter. Criteria: Invitae Variant Classification Sherloc (09022015). Collection method: clinical testing. Allele origin: germline.
Comment: This sequence change replaces aspartic acid, which is acidic and polar, with tyrosine, which is neutral and polar, at codon 51 of the RIT1 protein (p.Asp51Tyr). This variant is not present in population databases (gnomAD no frequency). This missense change has been observed in individual(s) with clinical features of Noonan syndrome (PMID: 26757980, 27226556). ClinVar contains an entry for this variant (Variation ID: 183402). Invitae Evidence Modeling of protein sequence and biophysical properties (such as structural, functional, and spatial information, amino acid conservation, physicochemical variation, residue mobility, and thermodynamic stability) indicates that this missense variant is expected to disrupt RIT1 protein function with a positive predictive value of 95%. In summary, the available evidence is currently insufficient to determine the role of this variant in disease. Therefore, it has been classified as a Variant of Uncertain Significance.

Service de Génétique Moléculaire, Hôpital Robert Debré
Classification: Likely pathogenic for Noonan's syndrome. Review status: no assertion criteria provided. Criteria: clinical testing. Collection method: clinical testing. Allele origin: unknown. Affected: yes. Observed: 1 variant allele. Not counted in ClinVar's aggregate classification.

Literature cited by the submitters: PubMed 26757980 (cited by Labcorp Genetics (formerly Invitae), Labcorp); PubMed 27226556 (cited by Labcorp Genetics (formerly Invitae), Labcorp).

NM_006912.6(RIT1):c.151G>T (p.Asp51Tyr)

Gene: RIT1 (Ras like without CAAX 1; minus strand). Cytogenetic location: 1q22.
Variant type: single nucleotide variant.
Coding change: c.151G>T on transcript NM_006912.6 (MANE Select); coding-DNA position 151, G replaced by T.
Protein change: p.Asp51Tyr; replaces aspartic acid 51 with tyrosine.
Molecular consequence: missense variant.
Genome position (GRCh38, 1-based): chr1:155,910,462, C>A on the plus strand (G>T on the coding strand, the complement: RIT1 is on the minus strand). VCF-style: chr1-155910462-C-A. GRCh37 (hg19) VCF-style: chr1-155880253-C-A.
Other names: c.43G>T, p.Asp15Tyr (NM_001256820.2); c.202G>T, p.Asp68Tyr (NM_001256821.2); c.151G>T, p.Asp51Tyr (LRG_1372t1); short protein forms D51Y, D15Y, D68Y.
Identifiers: ClinVar variation 183402 (VCV000183402.10), dbSNP rs869025190, ClinGen allele CA353874.